The following is an entry in ClinVar:

ClinVar aggregate classification (germline): Uncertain significance (1 of 4 stars; one submission).

Conditions:
Generalized epilepsy-paroxysmal dyskinesia syndrome (PNKD3). Also called: Generalized epilepsy and paroxysmal dyskinesia; Paroxysmal nonkinesigenic dyskinesia, 3, with or without generalized epilepsy. Identifiers: Orphanet 79137, MedGen C5574945, MONDO:0012276, OMIM 609446.

Submission:

Labcorp Genetics (formerly Invitae), Labcorp
Classification: Uncertain significance for Generalized epilepsy-paroxysmal dyskinesia syndrome. Last evaluated: 2025-10-24. Review status: criteria provided, single submitter. Criteria: Invitae Variant Classification Sherloc (09022015). Collection method: clinical testing. Allele origin: germline.
Comment: This sequence change replaces asparagine, which is neutral and polar, with serine, which is neutral and polar, at codon 1101 of the KCNMA1 protein (p.Asn1101Ser). This variant is not present in population databases (gnomAD no frequency). This variant has not been reported in the literature in individuals affected with KCNMA1-related conditions. An algorithm developed to predict the effect of missense changes on protein structure and function (PolyPhen-2) suggests that this variant is likely to be tolerated. In summary, the available evidence is currently insufficient to determine the role of this variant in disease. Therefore, it has been classified as a Variant of Uncertain Significance.

NM_001161352.2(KCNMA1):c.3476A>G (p.Asn1159Ser)

Gene: KCNMA1 (potassium calcium-activated channel subfamily M alpha 1; minus strand). Cytogenetic location: 10q22.3.
Variant type: single nucleotide variant.
Coding change: c.3476A>G on transcript NM_001161352.2 (MANE Select); coding-DNA position 3476, A replaced by G.
Protein change: p.Asn1159Ser; replaces asparagine 1159 with serine.
Molecular consequence: missense variant.
Genome position (GRCh38, 1-based): chr10:76,887,501, T>C on the plus strand (A>G on the coding strand, the complement: KCNMA1 is on the minus strand). VCF-style: chr10-76887501-T-C. GRCh37 (hg19) VCF-style: chr10-78647259-T-C.
Other names: c.3314A>G, p.Asn1105Ser (NM_001014797.3); c.3425A>G, p.Asn1142Ser (NM_001161353.2); c.3152A>G, p.Asn1051Ser (NM_001271518.2); c.3392A>G, p.Asn1131Ser (NM_001271519.2); c.3311A>G, p.Asn1104Ser (NM_001322829.2, NM_001322836.2); c.3404A>G, p.Asn1135Ser (NM_001322830.2); c.3302A>G, p.Asn1101Ser (NM_001322832.2, NM_001410940.1, NM_002247.4); c.3395A>G, p.Asn1132Ser (NM_001322835.2, NM_001322837.2); and 3 more; short protein forms N1105S, N1130S, N1104S, N1135S, N950S, N1142S, N1145S, N1051S.
Identifiers: ClinVar variation 4727485 (VCV004727485.1).